The following is an entry in ClinVar:

ClinVar aggregate classification (germline): Pathogenic. Review status: criteria provided, multiple submitters, no conflicts (2 of 4 stars). 5 submissions from 5 submitters: Pathogenic (5). Last evaluated 2026-01-10.

Conditions:
Congenital myasthenic syndrome 9. Also called: Myasthenic syndrome, congenital, 9, associated with acetylcholine receptor deficiency. Identifiers: Orphanet 590, MedGen C4225368, MONDO:0014587, OMIM 616325.
Fetal akinesia deformation sequence 1 (FADS1). Also called: Pena-Shokeir syndrome type I; Fetal akinesia sequence. Identifiers: Orphanet 994, MedGen C1276035, MONDO:0100101, OMIM 208150, HP:0001989.
Congenital myasthenic syndrome 4C (CMS4C). Also called: Myasthenic syndrome, congenital, associated with acetylcholine receptor deficiency. Identifiers: Orphanet 590, MedGen C1837091, MONDO:0012157, OMIM 608931.

Allele frequency attached by ClinVar (database versions not stated): gnomAD exomes 0.00001 and 0.00004; TOPMed 0.00001; gnomAD 0.00003 and 0.00004; ExAC 0.00006; ESP Exome Variant Server 0.00008.
gnomAD v4.1: 27 of 1,612,322 alleles (0.0017%); highest among the groups gnomAD compares: Non-Finnish European, 0.0017%; no homozygotes.

Submissions (5):

GeneDx
Classification: Pathogenic. Last evaluated: 2026-01-10. Review status: criteria provided, single submitter. Criteria: GeneDx Variant Classification Process June 2021. Collection method: clinical testing. Allele origin: germline. Affected: yes.
Comment: Canonical splice site variant predicted to result in a null allele in a gene for which loss of function is a known mechanism of disease; Not observed at significant frequency in large population cohorts (gnomAD); This variant is associated with the following publications: (PMID: 30429133, 31920924, 25695962)

Mayo Clinic Laboratories, Mayo Clinic
Classification: Pathogenic. Last evaluated: 2025-10-24. Review status: criteria provided, single submitter. Criteria: ACMG Guidelines, 2015. Collection method: clinical testing. Allele origin: germline. Observed: 1 variant allele.
Comment: PP4, PM2_supporting, PM3, PVS1

Labcorp Genetics (formerly Invitae), Labcorp
Classification: Pathogenic for Congenital myasthenic syndrome 9; Fetal akinesia deformation sequence 1. Last evaluated: 2024-10-03. Review status: criteria provided, single submitter. Criteria: Invitae Variant Classification Sherloc (09022015). Collection method: clinical testing. Allele origin: germline.
Comment: This sequence change affects a donor splice site in intron 1 of the MUSK gene. It is expected to disrupt RNA splicing. Variants that disrupt the donor or acceptor splice site typically lead to a loss of protein function (PMID: 16199547), and loss-of-function variants in MUSK are known to be pathogenic (PMID: 8653786, 25612909, 25695962, 25900532). This variant is present in population databases (rs200783529, gnomAD 0.009%). Disruption of this splice site has been observed in individuals with congenital myasthenic syndrome (PMID: 25695962; internal data). ClinVar contains an entry for this variant (Variation ID: 211542). Algorithms developed to predict the effect of sequence changes on RNA splicing suggest that this variant may disrupt the consensus splice site. For these reasons, this variant has been classified as Pathogenic.

Baylor Genetics
Classification: Pathogenic for Congenital myasthenic syndrome 9. Last evaluated: 2023-09-01. Review status: criteria provided, single submitter. Criteria: ACMG Guidelines, 2015. Collection method: clinical testing. Allele origin: unknown.

Genetic Services Laboratory, University of Chicago
Classification: Pathogenic for Myasthenic syndrome, congenital, associated with acetylcholine receptor deficiency. Last evaluated: 2015-01-14. Review status: criteria provided, single submitter. Criteria: ACMG Guidelines, 2015. Collection method: clinical testing. Allele origin: germline. Affected: yes.

Literature cited by the submitters: PubMed 25695962 (cited by Mayo Clinic Laboratories, Mayo Clinic and Labcorp Genetics (formerly Invitae), Labcorp); PubMed 30429133 (cited by Mayo Clinic Laboratories, Mayo Clinic); PubMed 31920924 (cited by Mayo Clinic Laboratories, Mayo Clinic); PubMed 37091828 (cited by Mayo Clinic Laboratories, Mayo Clinic); PubMed 16199547 (cited by Labcorp Genetics (formerly Invitae), Labcorp); PubMed 8653786 (cited by Labcorp Genetics (formerly Invitae), Labcorp); PubMed 25612909 (cited by Labcorp Genetics (formerly Invitae), Labcorp); PubMed 25900532 (cited by Labcorp Genetics (formerly Invitae), Labcorp).

NM_005592.4(MUSK):c.79+2T>G

Gene: MUSK (muscle associated receptor tyrosine kinase; plus strand). Cytogenetic location: 9q31.3.
Variant type: single nucleotide variant.
Coding change: c.79+2T>G on transcript NM_005592.4 (MANE Select); the canonical splice donor site of the intron after coding-DNA position 79, T replaced by G.
Molecular consequence: splice donor variant.
Genome position (GRCh38, 1-based): chr9:110,668,985, T>G. VCF-style: chr9-110668985-T-G. GRCh37 (hg19) VCF-style: chr9-113431265-T-G.
Other names: c.79+2T>G (NM_001166280.2, NM_001166281.2).
Identifiers: ClinVar variation 211542 (VCV000211542.21), dbSNP rs200783529, ClinGen allele CA277140.